The following is an entry in ClinVar:

NM_032930.3(CFAP300):c.430C>T (p.Arg144Ter)

Gene: CFAP300 (cilia and flagella associated protein 300; plus strand). Cytogenetic location: 11q22.1.
Variant type: single nucleotide variant.
Coding change: c.430C>T on transcript NM_032930.3 (MANE Select); coding-DNA position 430, C replaced by T.
Protein change: p.Arg144Ter; replaces arginine 144 with a stop codon.
Molecular consequence: nonsense. On other transcripts: intron variant (1).
Genome position (GRCh38, 1-based): chr11:102,066,646, C>T. VCF-style: chr11-102066646-C-T. GRCh37 (hg19) VCF-style: chr11-101937377-C-T.
Other names: c.430C>T, p.Arg144Ter (NM_001363505.2); c.268+7691C>T (NM_001195005.2); c.430C>T (NM_032930.2); short protein forms R144*.
Identifiers: ClinVar variation 1676321 (VCV001676321.9), dbSNP rs762224876, ClinGen allele CA6245999.

ClinVar aggregate classification (germline): Pathogenic/Likely pathogenic. Review status: criteria provided, multiple submitters, no conflicts (2 of 4 stars). 3 submissions from 3 submitters: Pathogenic (1); Likely pathogenic (2). Last evaluated 2025-05-22.

Conditions:
Ciliary dyskinesia, primary, 38 (CILD38). Also called: CILIARY DYSKINESIA, PRIMARY, 38, WITH OR WITHOUT SITUS INVERSUS. Identifiers: MedGen C4748052, MONDO:0054843, OMIM 618063.
CFAP300-related disorder. Also called: CFAP300-related condition.

Submissions (3):

Labcorp Genetics (formerly Invitae), Labcorp
Classification: Pathogenic. Last evaluated: 2025-05-22. Review status: criteria provided, single submitter. Criteria: Invitae Variant Classification Sherloc (09022015). Collection method: clinical testing. Allele origin: germline.
Comment: This sequence change creates a premature translational stop signal (p.Arg144*) in the C11orf70 gene. It is expected to result in an absent or disrupted protein product. Loss-of-function variants in C11orf70 are known to be pathogenic (PMID: 29727692, 29727693). This variant is present in population databases (rs762224876, gnomAD 0.004%). This variant has not been reported in the literature in individuals affected with C11orf70-related conditions. ClinVar contains an entry for this variant (Variation ID: 1676321). For these reasons, this variant has been classified as Pathogenic.

PreventionGenetics, part of Exact Sciences
Classification: Likely pathogenic for CFAP300-related condition. Last evaluated: 2025-01-09. Review status: criteria provided, single submitter. Criteria: ACMG Guidelines, 2015. Collection method: clinical testing. Allele origin: germline.
Comment: The CFAP300 c.430C>T variant is predicted to result in premature protein termination (p.Arg144*). To our knowledge, this variant has not been reported in the literature. This variant is reported in 0.0041% of alleles in individuals of African descent in gnomAD. Nonsense variants in CFAP300 are expected to be pathogenic. This variant is interpreted as likely pathogenic.

Dasa
Classification: Likely pathogenic for Ciliary dyskinesia, primary, 38. Last evaluated: 2022-04-10. Review status: criteria provided, single submitter. Criteria: ACMG Guidelines, 2015. Collection method: clinical testing. Allele origin: germline. Affected: yes. Observed: 1 variant allele.
Comment: The c.430C>T;p.(Arg144)* variant creates a premature translational stop signal in the CFAP300 gene. It is expected to result in an absent or disrupted protein product -PVS1. The variant is present at low allele frequencies population databases (rs762224876 – gnomAD 0.0002603%; ABraOM no frequency) - PM2_supporting. In summary, the currently available evidence indicates that the variant is likely pathogenic

Literature cited by the submitters: PubMed 29727692 (cited by Labcorp Genetics (formerly Invitae), Labcorp); PubMed 29727693 (cited by Labcorp Genetics (formerly Invitae), Labcorp).